The following is an entry in ClinVar:

ClinVar aggregate classification (germline): Uncertain significance (1 of 4 stars; one submission).

Conditions:
Coloboma of optic nerve. Also called: Coloboma of optic nerve (disease); OPTIC NERVE HEAD PITS, BILATERAL CONGENITAL; Congenital coloboma of the optic nerve. Identifiers: Orphanet 35737, Orphanet 98947, MedGen C0155299, MONDO:0007354, OMIM 120430, HP:0000588.

Allele frequency attached by ClinVar (database versions not stated): ExAC 0.00020.

Submission:

Centre for Mendelian Genomics, University Medical Centre Ljubljana
Classification: Uncertain significance for Coloboma of optic nerve. Last evaluated: 2019-02-22. Review status: criteria provided, single submitter. Criteria: ACMG Guidelines, 2015. Collection method: clinical testing. Allele origin: unknown. Affected: yes.
Comment: This variant was classified as: Uncertain significance. The available evidence on this variant's pathogenicity is insufficient or conflicting. The following ACMG criteria were applied in classifying this variant: PP3.

NM_001368894.2(PAX6):c.1301G>A (p.Arg434Lys)

Genes: ELP4 (elongator acetyltransferase complex subunit 4; plus strand), PAX6 (paired box 6; minus strand). Cytogenetic location: 11p13.
Variant type: single nucleotide variant.
Coding change: c.1301G>A on transcript NM_001368894.2 (MANE Select); coding-DNA position 1301, G replaced by A.
Protein change: p.Arg434Lys; replaces arginine 434 with lysine.
Molecular consequence: missense variant. On other transcripts: 3 prime UTR variant (3), non-coding transcript variant (2).
Genome position (GRCh38, 1-based): chr11:31,789,944, C>T on the plus strand (G>A on the coding strand, the complement: PAX6 is on the minus strand). VCF-style: chr11-31789944-C-T. GRCh37 (hg19) VCF-style: chr11-31811492-C-T.
Other names: c.*6406C>T (NM_001288725.2); c.*6515C>T (NM_001288726.2); c.*6420C>T (NM_019040.5); c.1259G>A, p.Arg420Lys (NM_000280.6, NM_001127612.3, NM_001258464.2 and 6 more transcripts); c.1301G>A, p.Arg434Lys (NM_001258462.3, NM_001258463.2, NM_001310158.2 and 3 more transcripts); c.851G>A, p.Arg284Lys (NM_001310160.2, NM_001310161.3, NM_001368899.2 and 10 more transcripts); c.1502G>A, p.Arg501Lys (NM_001368910.2); c.1153G>A, p.Asp385Asn (NM_001368911.2); and 9 more; short protein forms R353K, R445K, D317N, R219K, R459K, D234N, D384N, R367K.
Identifiers: ClinVar variation 932051 (VCV000932051.4), dbSNP rs755181141, ClinGen allele CA5933635.